The following is an entry in ClinVar:

ClinVar aggregate classification (germline): Likely benign (1 of 4 stars; one submission).

Allele frequency attached by ClinVar (database versions not stated): gnomAD 0.00006; TOPMed 0.00006; gnomAD exomes 0.00010; ExAC 0.00016.
gnomAD v4.1: 119 of 1,208,118 alleles (0.0099%); highest among the groups gnomAD compares: South Asian, 0.16%; no homozygotes.

Submission:

CeGaT Center for Human Genetics Tuebingen
Classification: Likely benign. Last evaluated: 2023-03-01. Review status: criteria provided, single submitter. Criteria: CeGaT Center For Human Genetics Tuebingen Variant Classification Criteria Version 2. Collection method: clinical testing. Allele origin: germline. Affected: yes. Observed: 1 variant allele.
Comment: CAPN6: BP4, BP7, BS2

NM_014289.4(CAPN6):c.1542G>A (p.Pro514=)

Gene: CAPN6 (calpain 6; minus strand). Cytogenetic location: Xq23.
Variant type: single nucleotide variant.
Coding change: c.1542G>A on transcript NM_014289.4 (MANE Select); coding-DNA position 1542, G replaced by A.
Protein change: p.Pro514=; no amino-acid change (proline 514 retained).
Molecular consequence: synonymous variant.
Genome position (GRCh38, 1-based): chrX:111,247,935, C>T on the plus strand (G>A on the coding strand, the complement: CAPN6 is on the minus strand). VCF-style: chrX-111247935-C-T. GRCh37 (hg19) VCF-style: chrX-110491163-C-T.
Identifiers: ClinVar variation 2661203 (VCV002661203.24), dbSNP rs746917930, ClinGen allele CA10492918.